The following is an entry in ClinVar:

ClinVar aggregate classification (germline): Uncertain significance (1 of 4 stars; one submission).

Allele frequency attached by ClinVar (database versions not stated): gnomAD exomes below 0.00001; TOPMed 0.00001.
gnomAD v4.1: 1 of 1,606,538 alleles (0.000062%); highest among the groups gnomAD compares: Non-Finnish European, 0.000085%; no homozygotes.

Submission:

Labcorp Genetics (formerly Invitae), Labcorp
Classification: Uncertain significance. Last evaluated: 2023-02-16. Review status: criteria provided, single submitter. Criteria: Invitae Variant Classification Sherloc (09022015). Collection method: clinical testing. Allele origin: germline.
Comment: This sequence change falls in intron 24 of the DIAPH3 gene. It does not directly change the encoded amino acid sequence of the DIAPH3 protein. It affects a nucleotide within the consensus splice site. In summary, the available evidence is currently insufficient to determine the role of this variant in disease. Therefore, it has been classified as a Variant of Uncertain Significance. Variants that disrupt the consensus splice site are a relatively common cause of aberrant splicing (PMID: 17576681, 9536098). Algorithms developed to predict the effect of sequence changes on RNA splicing suggest that this variant may create or strengthen a splice site. This variant has not been reported in the literature in individuals affected with DIAPH3-related conditions. This variant is not present in population databases (gnomAD no frequency).

Literature cited by the submitters: PubMed 17576681; PubMed 9536098.

NM_001042517.2(DIAPH3):c.3027+4T>C

Gene: DIAPH3 (diaphanous related formin 3; minus strand). Cytogenetic location: 13q21.2.
Variant type: single nucleotide variant.
Coding change: c.3027+4T>C on transcript NM_001042517.2 (MANE Select); 4 bases into the intron after coding-DNA position 3027, T replaced by C.
Molecular consequence: intron variant.
Genome position (GRCh38, 1-based): chr13:59,833,103, A>G on the plus strand (T>C on the coding strand, the complement: DIAPH3 is on the minus strand). VCF-style: chr13-59833103-A-G. GRCh37 (hg19) VCF-style: chr13-60407237-A-G.
Other names: c.2817+4T>C (NM_001258368.2); c.2889+4T>C (NM_001258367.2); c.2994+4T>C (NM_001258366.2); c.3027+4T>C (NM_001258369.2); c.2238+4T>C (NM_030932.4).
Identifiers: ClinVar variation 2873271 (VCV002873271.3), dbSNP rs1188964362, ClinGen allele CA699607853.